The following is an entry in ClinVar:

ClinVar aggregate classification (germline): Uncertain significance (1 of 4 stars; one submission).

Submission:

CeGaT Center for Human Genetics Tuebingen
Classification: Uncertain significance. Last evaluated: 2026-04-01. Review status: criteria provided, single submitter. Criteria: CeGaT Center For Human Genetics Tuebingen Variant Classification Criteria Version 2. Collection method: clinical testing. Allele origin: germline. Affected: yes. Observed: 1 variant allele.
Comment: CHD2: PM2, PP2

NM_001271.4(CHD2):c.3047A>G (p.Glu1016Gly)

Genes: CHD2 (chromodomain helicase DNA binding protein 2; plus strand), LOC126862230 (P300/CBP strongly-dependent group 1 enhancer GRCh37_chr15:93523977-93525176; plus strand). Cytogenetic location: 15q26.1.
Variant type: single nucleotide variant.
Coding change: c.3047A>G on transcript NM_001271.4 (MANE Select); coding-DNA position 3047, A replaced by G.
Protein change: p.Glu1016Gly; replaces glutamic acid 1016 with glycine.
Molecular consequence: missense variant.
Genome position (GRCh38, 1-based): chr15:92,981,438, A>G. VCF-style: chr15-92981438-A-G. GRCh37 (hg19) VCF-style: chr15-93524668-A-G.
Other names: short protein forms E1016G.
Identifiers: ClinVar variation 4874816 (VCV004874816.2).